The following is an entry in ClinVar:

NM_014425.5(INVS):c.2152G>C (p.Gly718Arg)

Gene: INVS (inversin; plus strand). Cytogenetic location: 9q31.1.
Variant type: single nucleotide variant.
Coding change: c.2152G>C on transcript NM_014425.5 (MANE Select); coding-DNA position 2152, G replaced by C.
Protein change: p.Gly718Arg; replaces glycine 718 with arginine.
Molecular consequence: missense variant. On other transcripts: non-coding transcript variant (1).
Genome position (GRCh38, 1-based): chr9:100,292,409, G>C. VCF-style: chr9-100292409-G-C. GRCh37 (hg19) VCF-style: chr9-103054691-G-C.
Other names: c.1864G>C, p.Gly622Arg (NM_001318381.2); c.1174G>C, p.Gly392Arg (NM_001318382.2); short protein forms G718R, G392R, G622R.
Identifiers: ClinVar variation 531621 (VCV000531621.7), dbSNP rs1554730698, ClinGen allele CA374242159.

ClinVar aggregate classification (germline): Uncertain significance. Review status: criteria provided, multiple submitters, no conflicts (2 of 4 stars). 2 submissions from 2 submitters: Uncertain significance (2). Last evaluated 2022-10-13.

Conditions:
Nephronophthisis. Also called: Juvenile Nephronophthisis. Identifiers: Orphanet 655, MedGen C0687120, MONDO:0019005, HP:0000090.

Allele frequency attached by ClinVar (database versions not stated): gnomAD exomes below 0.00001.
gnomAD v4.1: 7 of 1,614,188 alleles (0.00043%); highest among the groups gnomAD compares: Non-Finnish European, 0.00051%; no homozygotes.

Submissions (2):

Labcorp Genetics (formerly Invitae), Labcorp
Classification: Uncertain significance for Nephronophthisis. Last evaluated: 2022-10-13. Review status: criteria provided, single submitter. Criteria: Invitae Variant Classification Sherloc (09022015). Collection method: clinical testing. Allele origin: germline.
Comment: This sequence change replaces glycine, which is neutral and non-polar, with arginine, which is basic and polar, at codon 718 of the INVS protein (p.Gly718Arg). This variant is not present in population databases (gnomAD no frequency). This variant has not been reported in the literature in individuals affected with INVS-related conditions. ClinVar contains an entry for this variant (Variation ID: 531621). Algorithms developed to predict the effect of missense changes on protein structure and function output the following: SIFT: "Tolerated"; PolyPhen-2: "Benign"; Align-GVGD: "Class C0". The arginine amino acid residue is found in multiple mammalian species, which suggests that this missense change does not adversely affect protein function. In summary, the available evidence is currently insufficient to determine the role of this variant in disease. Therefore, it has been classified as a Variant of Uncertain Significance.

Blueprint Genetics
Classification: Uncertain significance. Last evaluated: 2019-03-01. Review status: criteria provided, single submitter. Criteria: ACMG Guidelines, 2015. Collection method: clinical testing. Allele origin: germline.